The following is an entry in ClinVar:

NM_145239.3(PRRT2):c.599C>G (p.Pro200Arg)

Genes: MVP-DT (MVP divergent transcript; minus strand), PRRT2 (proline rich transmembrane protein 2; plus strand). Cytogenetic location: 16p11.2.
Variant type: single nucleotide variant.
Coding change: c.599C>G on transcript NM_145239.3 (MANE Select); coding-DNA position 599, C replaced by G.
Protein change: p.Pro200Arg; replaces proline 200 with arginine.
Molecular consequence: missense variant.
Genome position (GRCh38, 1-based): chr16:29,813,653, C>G. VCF-style: chr16-29813653-C-G. GRCh37 (hg19) VCF-style: chr16-29824974-C-G.
Other names: c.599C>G, p.Pro200Arg (NM_001256442.2, NM_001256443.2); short protein forms P200R.
Identifiers: ClinVar variation 1389986 (VCV001389986.9), dbSNP rs764829321, ClinGen allele CA395479039.
Genomic context (GRCh38, chr16:29,813,653, plus strand): 5'-AGAATGGGGCAGTGGTGCCCCTGCAGGCTGGTGATGGGGAAGAGGGCCCAGCCCCTGAGC[C>G]TCACTCACCACCCTCAAAAAAATCCCCCCCAGCCAATGGGGCCCCCCCCCGAGTGCTGCA-3'
Protein context (NP_660282.2, residues 190-210): GDGEEGPAPE[Pro200Arg]HSPPSKKSPP

ClinVar aggregate classification (germline): Uncertain significance. Review status: criteria provided, multiple submitters, no conflicts (2 of 4 stars). 2 submissions from 2 submitters: Uncertain significance (2). Last evaluated 2024-06-10.

Conditions:
Episodic kinesigenic dyskinesia (EKD). Also called: Paroxysmal kinesigenic dyskinesia. Identifiers: Orphanet 98809, MedGen C1868682, MONDO:0044202.

Allele frequency attached by ClinVar (database versions not stated): gnomAD 0.00002; TOPMed 0.00002.
gnomAD v4.1: 5 of 1,611,906 alleles (0.00031%); highest among the groups gnomAD compares: African/African-American, 0.0013%; no homozygotes.

Submissions (2):

Blueprint Genetics
Classification: Uncertain significance. Last evaluated: 2024-06-10. Review status: criteria provided, single submitter. Criteria: ACMG Guidelines, 2015. Collection method: clinical testing. Allele origin: germline.

Labcorp Genetics (formerly Invitae), Labcorp
Classification: Uncertain significance for Episodic kinesigenic dyskinesia. Last evaluated: 2021-08-01. Review status: criteria provided, single submitter. Criteria: Invitae Variant Classification Sherloc (09022015). Collection method: clinical testing. Allele origin: germline.
Comment: This sequence change replaces proline with arginine at codon 200 of the PRRT2 protein (p.Pro200Arg). The proline residue is highly conserved and there is a moderate physicochemical difference between proline and arginine. In summary, the available evidence is currently insufficient to determine the role of this variant in disease. Therefore, it has been classified as a Variant of Uncertain Significance. Algorithms developed to predict the effect of missense changes on protein structure and function are either unavailable or do not agree on the potential impact of this missense change (SIFT: "Deleterious"; PolyPhen-2: "Possibly Damaging"; Align-GVGD: "Class C0"). This variant has not been reported in the literature in individuals affected with PRRT2-related conditions. This variant is not present in population databases (ExAC no frequency).